The following is an entry in ClinVar:

ClinVar aggregate classification (germline): Uncertain significance (1 of 4 stars; one submission).

Conditions:
Inflammatory skin and bowel disease, neonatal, 1. Identifiers: Orphanet 294023, MedGen C3280501, MONDO:0013693, OMIM 614328.

Allele frequency attached by ClinVar (database versions not stated): ExAC 0.00003; gnomAD exomes 0.00003 and 0.00008; gnomAD 0.00006 and 0.00007; TOPMed 0.00006.
gnomAD v4.1: 124 of 1,596,474 alleles (0.0078%); highest among the groups gnomAD compares: Non-Finnish European, 0.0095%; no homozygotes.

Submission:

Labcorp Genetics (formerly Invitae), Labcorp
Classification: Uncertain significance for Inflammatory skin and bowel disease, neonatal, 1. Last evaluated: 2024-09-19. Review status: criteria provided, single submitter. Criteria: Invitae Variant Classification Sherloc (09022015). Collection method: clinical testing. Allele origin: germline.
Comment: This sequence change replaces glutamine, which is neutral and polar, with arginine, which is basic and polar, at codon 30 of the ADAM17 protein (p.Gln30Arg). This variant is present in population databases (rs775793715, gnomAD 0.004%). This variant has not been reported in the literature in individuals affected with ADAM17-related conditions. ClinVar contains an entry for this variant (Variation ID: 659816). An algorithm developed to predict the effect of missense changes on protein structure and function (PolyPhen-2) suggests that this variant¬†is likely to be tolerated. In summary, the available evidence is currently insufficient to determine the role of this variant in disease. Therefore, it has been classified as a Variant of Uncertain Significance.

NM_003183.6(ADAM17):c.89A>G (p.Gln30Arg)

Gene: ADAM17 (ADAM metallopeptidase domain 17; minus strand). Cytogenetic location: 2p25.1.
Variant type: single nucleotide variant.
Coding change: c.89A>G on transcript NM_003183.6 (MANE Select); coding-DNA position 89, A replaced by G.
Protein change: p.Gln30Arg; replaces glutamine 30 with arginine.
Molecular consequence: missense variant.
Genome position (GRCh38, 1-based): chr2:9,555,517, T>C on the plus strand (A>G on the coding strand, the complement: ADAM17 is on the minus strand). VCF-style: chr2-9555517-T-C. GRCh37 (hg19) VCF-style: chr2-9695646-T-C.
Other names: c.89A>G, p.Gln30Arg (LRG_1203t1); short protein forms Q30R.
Identifiers: ClinVar variation 659816 (VCV000659816.6), dbSNP rs775793715, ClinGen allele CA1523880.
Genomic context (GRCh38, chr2:9,555,517, plus strand): 5'-CTCAAACGAGCGCTCCAGGCGCCGGCCTAAGCCAACTCCCCTGGGTCTTTACCGAGTCTC[T>C]GGTGGGGGCCGAAGCCCGGGTCATCCGGAGGTCGCGGCGCCAGCACGAAAGGAACCACGC-3'
Protein context (NP_003174.3, residues 20-40): PPDDPGFGPH[Gln30Arg]RLEKLDSLLS